The following is an entry in ClinVar:

NM_002282.3(KRT83):c.310G>A (p.Ala104Thr)

Gene: KRT83 (keratin 83; minus strand). Cytogenetic location: 12q13.13.
Variant type: single nucleotide variant.
Coding change: c.310G>A on transcript NM_002282.3 (MANE Select); coding-DNA position 310, G replaced by A.
Protein change: p.Ala104Thr; replaces alanine 104 with threonine.
Molecular consequence: missense variant.
Genome position (GRCh38, 1-based): chr12:52,321,026, C>T on the plus strand (G>A on the coding strand, the complement: KRT83 is on the minus strand). VCF-style: chr12-52321026-C-T. GRCh37 (hg19) VCF-style: chr12-52714810-C-T.
Other names: short protein forms A104T.
Identifiers: ClinVar variation 309540 (VCV000309540.5), dbSNP rs779172264, ClinGen allele CA6577741.

ClinVar aggregate classification (germline): Likely benign (1 of 4 stars; one submission).

Conditions:
Monilethrix. Also called: Beaded hair. Identifiers: Orphanet 573, MedGen C0546966, MONDO:0008009, HP:0032470.

Allele frequency attached by ClinVar (database versions not stated): gnomAD 0.00001; gnomAD exomes 0.00002 and 0.00005; ExAC 0.00002; TOPMed 0.00002.

Submission:

Illumina Laboratory Services, Illumina
Classification: Likely benign for MONILETHRIX 1. Last evaluated: 2018-01-12. Review status: criteria provided, single submitter. Criteria: ICSL Variant Classification Criteria 13 December 2019. Collection method: clinical testing. Allele origin: germline.
Comment: This variant was observed in the ICSL laboratory as part of a predisposition screen in an ostensibly healthy population. It had not been previously curated by ICSL or reported in the Human Gene Mutation Database (HGMD: prior to June 1st, 2018), and was therefore a candidate for classification through an automated scoring system. Utilizing variant allele frequency, disease prevalence and penetrance estimates, and inheritance mode, an automated score was calculated to assess if this variant is too frequent to cause the disease. Based on the score and internal cut-off values, a variant classified as likely benign is not then subjected to further curation. The score for this variant resulted in a classification of likely benign for this disease.